The following is an entry in ClinVar:

NM_020778.5(ALPK3):c.1835C>T (p.Ala612Val)

Gene: ALPK3 (alpha kinase 3; plus strand). Cytogenetic location: 15q25.3.
Variant type: single nucleotide variant.
Coding change: c.1835C>T on transcript NM_020778.5 (MANE Select); coding-DNA position 1835, C replaced by T.
Protein change: p.Ala612Val; replaces alanine 612 with valine.
Molecular consequence: missense variant.
Genome position (GRCh38, 1-based): chr15:84,856,573, C>T. VCF-style: chr15-84856573-C-T. GRCh37 (hg19) VCF-style: chr15-85399804-C-T.
Other names: short protein forms A612V.
Identifiers: ClinVar variation 4807761 (VCV004807761.1).

ClinVar aggregate classification (germline): Uncertain significance (1 of 4 stars; one submission).

gnomAD v4.1: 11 of 1,613,910 alleles (0.00068%); highest among the groups gnomAD compares: Non-Finnish European, 0.00093%; no homozygotes.

Submission:

Labcorp Genetics (formerly Invitae), Labcorp
Classification: Uncertain significance. Last evaluated: 2025-06-07. Review status: criteria provided, single submitter. Criteria: Invitae Variant Classification Sherloc (09022015). Collection method: clinical testing. Allele origin: germline.
Comment: This sequence change replaces alanine, which is neutral and non-polar, with valine, which is neutral and non-polar, at codon 814 of the ALPK3 protein (p.Ala814Val). This variant is present in population databases (rs767651692, gnomAD 0.002%). This variant has not been reported in the literature in individuals affected with ALPK3-related conditions. Invitae Evidence Modeling of protein sequence and biophysical properties (such as structural, functional, and spatial information, amino acid conservation, physicochemical variation, residue mobility, and thermodynamic stability) indicates that this missense variant is not expected to disrupt ALPK3 protein function with a negative predictive value of 80%. Algorithms developed to predict the effect of sequence changes on RNA splicing suggest that this variant may create or strengthen a splice site. In summary, the available evidence is currently insufficient to determine the role of this variant in disease. Therefore, it has been classified as a Variant of Uncertain Significance.